The following is an entry in ClinVar:

NC_000023.11:g.(?_38367271)_(38367449_?)del

Gene: OTC (ornithine transcarbamylase; plus strand). Cytogenetic location: Xp11.4.
Variant type: Deletion.
Identifiers: ClinVar variation 831937 (VCV000831937.8).

ClinVar aggregate classification (germline): Pathogenic (1 of 4 stars; one submission).

Conditions:
Ornithine carbamoyltransferase deficiency (OTCD). Also called: Ornithine Carbamoyltransferase Deficiency Disease; ORNITHINE TRANSCARBAMYLASE DEFICIENCY, HYPERAMMONEMIA DUE TO; ORNITHINE TRANSCARBAMYLASE DEFICIENCY; OTC DEFICIENCY. Identifiers: Orphanet 664, MedGen C0268542, MONDO:0010703, OMIM 311250.

Submission:

Labcorp Genetics (formerly Invitae), Labcorp
Classification: Pathogenic for Ornithine carbamoyltransferase deficiency. Last evaluated: 2019-04-19. Review status: criteria provided, single submitter. Criteria: Invitae Variant Classification Sherloc (09022015). Collection method: clinical testing. Allele origin: germline.
Comment: This variant is an out-of-frame deletion of the genomic region encompassing exons 2 of the OTC gene. This is expected to create a premature translational stop signal and result in an absent or disrupted protein product. This variant has been observed in individuals affected with OTC-deficiency (PMID: 22494545, 25994866). Loss-of-function variants in OTC are known to be pathogenic (PMID: 10946359, 16786505). For these reasons, this variant has been classified as Pathogenic.

Literature cited by the submitters: PubMed 22494545; PubMed 25994866; PubMed 10946359; PubMed 16786505.